The following is an entry in ClinVar:

NM_144643.4(SCLT1):c.327A>C (p.Lys109Asn)

Gene: SCLT1 (sodium channel and clathrin linker 1; minus strand). Cytogenetic location: 4q28.2.
Variant type: single nucleotide variant.
Coding change: c.327A>C on transcript NM_144643.4 (MANE Select); coding-DNA position 327, A replaced by C.
Protein change: p.Lys109Asn; replaces lysine 109 with asparagine.
Molecular consequence: missense variant.
Genome position (GRCh38, 1-based): chr4:129,003,840, T>G on the plus strand (A>C on the coding strand, the complement: SCLT1 is on the minus strand). VCF-style: chr4-129003840-T-G. GRCh37 (hg19) VCF-style: chr4-129924995-T-G.
Other names: c.327A>C, p.Lys109Asn (NM_001410807.1); short protein forms K109N.
Identifiers: ClinVar variation 1980498 (VCV001980498.4), dbSNP rs1743754230, ClinGen allele CA358183347.

ClinVar aggregate classification (germline): Uncertain significance (1 of 4 stars; one submission).

Allele frequency attached by ClinVar (database versions not stated): TOPMed 0.00001.

Submission:

Labcorp Genetics (formerly Invitae), Labcorp
Classification: Uncertain significance. Last evaluated: 2022-10-13. Review status: criteria provided, single submitter. Criteria: Invitae Variant Classification Sherloc (09022015). Collection method: clinical testing. Allele origin: germline.
Comment: This sequence change replaces lysine, which is basic and polar, with asparagine, which is neutral and polar, at codon 109 of the SCLT1 protein (p.Lys109Asn). This variant is not present in population databases (gnomAD no frequency). This variant has not been reported in the literature in individuals affected with SCLT1-related conditions. Algorithms developed to predict the effect of missense changes on protein structure and function are either unavailable or do not agree on the potential impact of this missense change (SIFT: "Deleterious"; PolyPhen-2: "Benign"; Align-GVGD: "Class C0"). In summary, the available evidence is currently insufficient to determine the role of this variant in disease. Therefore, it has been classified as a Variant of Uncertain Significance.